The following is an entry in ClinVar:

NM_000466.3(PEX1):c.3383T>A (p.Leu1128His)

Genes: GATAD1 (GATA zinc finger domain containing 1; plus strand), PEX1 (peroxisomal biogenesis factor 1; minus strand). Cytogenetic location: 7q21.2.
Variant type: single nucleotide variant.
Coding change: c.3383T>A on transcript NM_000466.3 (MANE Select); coding-DNA position 3383, T replaced by A.
Protein change: p.Leu1128His; replaces leucine 1128 with histidine.
Molecular consequence: missense variant.
Genome position (GRCh38, 1-based): chr7:92,491,327, A>T on the plus strand (T>A on the coding strand, the complement: PEX1 is on the minus strand). VCF-style: chr7-92491327-A-T. GRCh37 (hg19) VCF-style: chr7-92120641-A-T.
Other names: c.3212T>A, p.Leu1071His (NM_001282677.2); c.2759T>A, p.Leu920His (NM_001282678.2); c.3383T>A (NM_000466.2); short protein forms L1128H, L1071H, L920H.
Identifiers: ClinVar variation 1443830 (VCV001443830.7), dbSNP rs747206901, ClinGen allele CA4340841.
Genomic context (GRCh38, chr7:92,491,327, plus strand): 5'-GATACCAAATCAGAAGAGGTTCCATTTCCAAGTTCTGATTCATAAGAGCTTCCAAAGTAG[A>T]GCCGGTACATATTGAATTTTGATTCATCTGGAAGGATCTCGGACATCTCTAAAGAAACAA-3'
Protein context (NP_000457.1, residues 1118-1138): PDESKFNMYR[Leu1128His]YFGSSYESEL

ClinVar aggregate classification (germline): Uncertain significance. Review status: criteria provided, multiple submitters, no conflicts (2 of 4 stars). 2 submissions from 2 submitters: Uncertain significance (2). Last evaluated 2024-11-05.

Conditions:
PEX1-related disorder. Also called: PEX1-related condition.
Zellweger spectrum disorders (ZS). Also called: Zellweger syndrome; Zellweger Spectrum Disorder (ZSD); Zellweger Spectrum Disorder; Zellweger Spectrum. Identifiers: Orphanet 912, MedGen C0043459, MONDO:0019609.

Allele frequency attached by ClinVar (database versions not stated): gnomAD exomes below 0.00001; ExAC 0.00001; gnomAD 0.00001; TOPMed 0.00001.
gnomAD v4.1: 3 of 1,613,962 alleles (0.00019%); highest among the groups gnomAD compares: African/African-American, 0.0013%; no homozygotes.

Submissions (2):

Labcorp Genetics (formerly Invitae), Labcorp
Classification: Uncertain significance for Zellweger spectrum disorders. Last evaluated: 2024-11-05. Review status: criteria provided, single submitter. Criteria: Invitae Variant Classification Sherloc (09022015). Collection method: clinical testing. Allele origin: germline.
Comment: This sequence change replaces leucine, which is neutral and non-polar, with histidine, which is basic and polar, at codon 1128 of the PEX1 protein (p.Leu1128His). This variant is present in population databases (rs747206901, gnomAD 0.007%). This variant has not been reported in the literature in individuals affected with PEX1-related conditions. ClinVar contains an entry for this variant (Variation ID: 1443830). Invitae Evidence Modeling of protein sequence and biophysical properties (such as structural, functional, and spatial information, amino acid conservation, physicochemical variation, residue mobility, and thermodynamic stability) indicates that this missense variant is expected to disrupt PEX1 protein function with a positive predictive value of 95%. In summary, the available evidence is currently insufficient to determine the role of this variant in disease. Therefore, it has been classified as a Variant of Uncertain Significance.

PreventionGenetics, part of Exact Sciences
Classification: Uncertain significance for PEX1-related condition. Last evaluated: 2022-09-09. Review status: criteria provided, single submitter. Criteria: ACMG Guidelines, 2015. Collection method: clinical testing. Allele origin: germline.
Comment: The PEX1 c.3383T>A variant is predicted to result in the amino acid substitution p.Leu1128His. To our knowledge, this variant has not been reported in the literature. This variant is reported in 0.0062% of alleles in individuals of African descent in gnomAD. At this time, the clinical significance of this variant is uncertain due to the absence of conclusive functional and genetic evidence.